The following is an entry in ClinVar:

NM_000297.4(PKD2):c.2498del (p.Gly833fs)

Gene: PKD2 (polycystin 2, transient receptor potential cation channel; plus strand). Cytogenetic location: 4q22.1.
Variant type: Deletion.
Coding change: c.2498del on transcript NM_000297.4 (MANE Select); coding-DNA position 2498, one base deleted (G; older notation c.2498delG).
Protein change: p.Gly833fs; shifts the reading frame from glycine 833.
Molecular consequence: frameshift variant. On other transcripts: non-coding transcript variant (1).
Genome position (GRCh38, 1-based): chr4:88,068,037, G deleted; the last of 2 consecutive G bases (chr4:88,068,036-88,068,037); deleting either gives the same sequence. VCF-style (leftmost placement, unchanged base first): chr4-88068035-TG-T. GRCh37 (hg19) VCF-style: chr4-88989187-TG-T.
Other names: short protein forms G833fs.
Identifiers: ClinVar variation 1807324 (VCV001807324.2), dbSNP rs2475986839, ClinGen allele CA2578140866.

ClinVar aggregate classification (germline): Pathogenic. Review status: criteria provided, multiple submitters, no conflicts (2 of 4 stars). 2 submissions from 2 submitters: Pathogenic (2). Last evaluated 2024-04-03.

Conditions:
Polycystic kidney disease 2 (PKD2). Also called: POLYCYSTIC KIDNEY DISEASE, ADULT, TYPE II; Polycystic Kidney Disease 2, Autosomal Dominant; POLYCYSTIC KIDNEY DISEASE 2 WITH OR WITHOUT POLYCYSTIC LIVER DISEASE. Identifiers: MedGen C2751306, MONDO:0013131, OMIM 613095.

Submissions (2):

Fulgent Genetics
Classification: Pathogenic for Polycystic kidney disease 2. Last evaluated: 2024-04-03. Review status: criteria provided, single submitter. Criteria: ACMG Guidelines, 2015. Collection method: clinical testing. Allele origin: germline.

Athena Diagnostics
Classification: Pathogenic. Last evaluated: 2021-07-01. Review status: criteria provided, single submitter. Criteria: Athena Diagnostics Criteria. Collection method: clinical testing. Allele origin: unknown.
Comment: This variant is expected to result in the loss of a functional protein. This variant has not been reported in large, multi-ethnic general populations. This variant has been identified in at least one individual tested at Athena Diagnostics with clinical features associated with this gene.